The following is an entry in ClinVar:

ClinVar aggregate classification (germline): Uncertain significance (1 of 4 stars; one submission).

Conditions:
Leigh syndrome (NULS). Also called: Leigh Disease; Subacute necrotizing encephalopathy; Necrotizing encephalopathy infantile subacute of Leigh; Leigh's syndrome; Leigh's necrotizing encephalopathy; Leigh's disease. Identifiers: Orphanet 506, MedGen C2931891, MONDO:0009723, OMIM 256000.

Submission:

Labcorp Genetics (formerly Invitae), Labcorp
Classification: Uncertain significance for Leigh syndrome. Last evaluated: 2021-09-20. Review status: criteria provided, single submitter. Criteria: Invitae Variant Classification Sherloc (09022015). Collection method: clinical testing. Allele origin: germline.
Comment: This sequence change replaces tryptophan with arginine at codon 227 of the SURF1 protein (p.Trp227Arg). The tryptophan residue is highly conserved and there is a moderate physicochemical difference between tryptophan and arginine. This variant is not present in population databases (ExAC no frequency). This missense change has been observed in individual(s) with mitochondrial complex IV deficiency (PMID: 21937992). Algorithms developed to predict the effect of missense changes on protein structure and function are either unavailable or do not agree on the potential impact of this missense change (SIFT: "Deleterious"; PolyPhen-2: "Probably Damaging"; Align-GVGD: "Class C0"). Studies have shown that this missense change alters SURF1 gene expression (PMID: 29933018). In summary, the available evidence is currently insufficient to determine the role of this variant in disease. Therefore, it has been classified as a Variant of Uncertain Significance.

Literature cited by the submitters: PubMed 21937992; PubMed 29933018.

NM_003172.4(SURF1):c.679T>A (p.Trp227Arg)

Gene: SURF1 (SURF1 cytochrome c oxidase assembly factor; minus strand). Cytogenetic location: 9q34.2.
Variant type: single nucleotide variant.
Coding change: c.679T>A on transcript NM_003172.4 (MANE Select); coding-DNA position 679, T replaced by A.
Protein change: p.Trp227Arg; replaces tryptophan 227 with arginine.
Molecular consequence: missense variant.
Genome position (GRCh38, 1-based): chr9:133,352,518, A>T on the plus strand (T>A on the coding strand, the complement: SURF1 is on the minus strand). VCF-style: chr9-133352518-A-T. GRCh37 (hg19) VCF-style: chr9-136219373-A-T.
Other names: c.352T>A, p.Trp118Arg (NM_001280787.1); short protein forms W118R, W227R.
Identifiers: ClinVar variation 1428128 (VCV001428128.6), dbSNP rs398122806, ClinGen allele CA375693747.
Genomic context (GRCh38, chr9:133,352,518, plus strand): 5'-CAATGAAGATGGGCTCTGCGCCTGTGATTCTGGCCATAGCTTCCAGGTCTCGATAATGCC[A>T]GTGGTTCCTTTCTGGATTGTTCTCAGGGACAAAAGGCTGCCTGGTTTCTGTCAGCCTCAC-3'
Protein context (NP_003163.1, residues 217-237): VPENNPERNH[Trp227Arg]HYRDLEAMAR